The following is an entry in ClinVar:

ClinVar aggregate classification (germline): Uncertain significance (1 of 4 stars; one submission).

Conditions:
Hereditary cancer-predisposing syndrome. Also called: Neoplastic Syndromes, Hereditary; Tumor predisposition; Hereditary Cancer Syndrome; Hereditary neoplastic syndrome. Identifiers: Orphanet 140162, MedGen C0027672, MeSH D009386, MONDO:0015356.

Submission:

Ambry Genetics
Classification: Uncertain significance for Hereditary cancer-predisposing syndrome. Last evaluated: 2025-06-27. Review status: criteria provided, single submitter. Criteria: Ambry Variant Classification Scheme 2023. Collection method: clinical testing. Allele origin: germline.
Comment: The p.Q1103H variant (also known as c.3309G>T), located in coding exon 21 of the TSC1 gene, results from a G to T substitution at nucleotide position 3309. The glutamine at codon 1103 is replaced by histidine, an amino acid with highly similar properties. This amino acid position is highly conserved in available vertebrate species. In addition, the in silico prediction for this alteration is inconclusive. Based on the available evidence, the clinical significance of this variant remains unclear.

NM_000368.5(TSC1):c.3309G>T (p.Gln1103His)

Gene: TSC1 (TSC complex subunit 1; minus strand). Cytogenetic location: 9q34.13.
Variant type: single nucleotide variant.
Coding change: c.3309G>T on transcript NM_000368.5 (MANE Select); coding-DNA position 3309, G replaced by T.
Protein change: p.Gln1103His; replaces glutamine 1103 with histidine.
Molecular consequence: missense variant. On other transcripts: non-coding transcript variant (5).
Genome position (GRCh38, 1-based): chr9:132,896,421, C>A on the plus strand (G>T on the coding strand, the complement: TSC1 is on the minus strand). VCF-style: chr9-132896421-C-A. GRCh37 (hg19) VCF-style: chr9-135771808-C-A.
Other names: c.2943G>T, p.Gln981His (NM_001406623.1, NM_001406620.1, NM_001406621.1 and 1 more transcripts); c.3306G>T, p.Gln1102His (NM_001162426.2, NM_001406597.1, NM_001406598.1 and 2 more transcripts); c.3156G>T, p.Gln1052His (NM_001162427.2, NM_001406610.1); c.2946G>T, p.Gln982His (NM_001362177.2, NM_001406614.1, NM_001406615.1 and 4 more transcripts); c.3309G>T, p.Gln1103His (NM_001406592.1, NM_001406593.1, NM_001406594.1 and 2 more transcripts); c.3294G>T, p.Gln1098His (NM_001406601.1, NM_001406602.1); c.3291G>T, p.Gln1097His (NM_001406603.1, NM_001406604.1); c.3267G>T, p.Gln1089His (NM_001406605.1, NM_001406606.1, NM_001406607.1); and 8 more; short protein forms Q1052H, Q1089H, Q967H, Q982H, Q1037H, Q1102H, Q1103H, Q786H.
Identifiers: ClinVar variation 4192059 (VCV004192059.1).
Genomic context (GRCh38, chr9:132,896,421, plus strand): 5'-TTTGCCCAGTTCTGTCTTTAGGCTCTCAGAAAGGCTACTGGTCATGCCGTCCTCATCACA[C>A]TGGCTCTCGCTCTTATTACGAAATAACTCTCGAGCCTTCATACCCAGGAAGCTTTTTGAA-3'
Protein context (NP_000359.1, residues 1093-1113): RELFRNKSES[Gln1103His]CDEDGMTSSL